The following is an entry in ClinVar:

NM_031433.4(MFRP):c.1169A>C (p.His390Pro)

Genes: C1QTNF5 (C1q and TNF related 5; minus strand), MFRP (membrane frizzled-related protein; minus strand). Cytogenetic location: 11q23.3.
Variant type: single nucleotide variant.
Coding change: c.1169A>C on transcript NM_031433.4 (MANE Select); coding-DNA position 1169, A replaced by C.
Protein change: p.His390Pro; replaces histidine 390 with proline.
Molecular consequence: missense variant. On other transcripts: 5 prime UTR variant (1).
Genome position (GRCh38, 1-based): chr11:119,342,959, T>G on the plus strand (A>C on the coding strand, the complement: MFRP is on the minus strand). VCF-style: chr11-119342959-T-G. GRCh37 (hg19) VCF-style: chr11-119213669-T-G.
Other names: c.-1468A>C (NM_015645.5); short protein forms H390P.
Identifiers: ClinVar variation 1369080 (VCV001369080.8), dbSNP rs529813598, ClinGen allele CA6320215.

ClinVar aggregate classification (germline): Uncertain significance. Review status: criteria provided, multiple submitters, no conflicts (2 of 4 stars). 2 submissions from 2 submitters: Uncertain significance (2). Last evaluated 2024-04-05.

Conditions:
Isolated microphthalmia 5. Also called: Posterior Microphthalmia with Retinitis Pigmentosa, Foveoschisis, and Optic Disc Drusen. Identifiers: Orphanet 251279, MedGen C1970236, MONDO:0012605, OMIM 611040.

Allele frequency attached by ClinVar (database versions not stated): 1000 Genomes Project 0.00040; 1000 Genomes Project 30x 0.00031; ExAC 0.00013.
gnomAD v4.1: 61 of 1,611,568 alleles (0.0038%); highest among the groups gnomAD compares: South Asian, 0.062%; 1 homozygote.

Submissions (2):

Blueprint Genetics
Classification: Uncertain significance. Last evaluated: 2024-04-05. Review status: criteria provided, single submitter. Criteria: ACMG Guidelines, 2015. Collection method: clinical testing. Allele origin: germline.

Labcorp Genetics (formerly Invitae), Labcorp
Classification: Uncertain significance for Isolated microphthalmia 5. Last evaluated: 2022-05-25. Review status: criteria provided, single submitter. Criteria: Invitae Variant Classification Sherloc (09022015). Collection method: clinical testing. Allele origin: germline.
Comment: This variant is present in population databases (rs529813598, gnomAD 0.07%). This sequence change replaces histidine, which is basic and polar, with proline, which is neutral and non-polar, at codon 390 of the MFRP protein (p.His390Pro). This variant has not been reported in the literature in individuals affected with MFRP-related conditions. Algorithms developed to predict the effect of missense changes on protein structure and function (SIFT, PolyPhen-2, Align-GVGD) all suggest that this variant is likely to be tolerated. In summary, the available evidence is currently insufficient to determine the role of this variant in disease. Therefore, it has been classified as a Variant of Uncertain Significance.